The following is an entry in ClinVar:

ClinVar aggregate classification (germline): Uncertain significance (1 of 4 stars; one submission).

Submission:

Labcorp Genetics (formerly Invitae), Labcorp
Classification: Uncertain significance. Last evaluated: 2023-09-10. Review status: criteria provided, single submitter. Criteria: Invitae Variant Classification Sherloc (09022015). Collection method: clinical testing. Allele origin: unknown.
Comment: In summary, the available evidence is currently insufficient to determine the role of this variant in disease. Therefore, it has been classified as a Variant of Uncertain Significance. This variant has not been reported in the literature in individuals affected with PLG-related conditions. This variant results in a copy number gain of the genomic region encompassing exon(s) 1-13 of the PLG gene. This region includes the initiator codon of the gene. This copy number gain extends beyond the assayed region for this gene and therefore may encompass additional genes. As the precise location of this event is unknown, it may be in tandem or it may be located elsewhere in the genome.

NC_000006.11:g.(?_161123337)_(161155140_?)dup

Gene: PLG (plasminogen; plus strand). Cytogenetic location: 6q26.
Variant type: Duplication.
Identifiers: ClinVar variation 3246082 (VCV003246082.1).